The following is an entry in ClinVar:

ClinVar aggregate classification (germline): Likely benign. Review status: criteria provided, multiple submitters, no conflicts (2 of 4 stars). 10 submissions from 10 submitters: Likely benign (8). 2 of the submissions do not count toward it. Last evaluated 2026-01-29.

Conditions:
Loeys-Dietz syndrome (LDS). Identifiers: Orphanet 60030, MedGen C2697932, MONDO:0018954.
Familial thoracic aortic aneurysm and aortic dissection (TAAD). Also called: Thoracic aortic aneurysms and dissections. Identifiers: Orphanet 91387, MedGen C4707243, MONDO:0019625.

Allele frequency attached by ClinVar (database versions not stated): ExAC 0.00001; gnomAD exomes 0.00003 and 0.00006; TOPMed 0.00010; gnomAD 0.00011 and 0.00013.
gnomAD v4.1: 103 of 1,613,754 alleles (0.0064%); highest among the groups gnomAD compares: Non-Finnish European, 0.0082%; 1 homozygote.

Submissions (10):

Labcorp Genetics (formerly Invitae), Labcorp
Classification: Likely benign for Familial thoracic aortic aneurysm and aortic dissection. Last evaluated: 2026-01-29. Review status: criteria provided, single submitter. Criteria: Invitae Variant Classification Sherloc (09022015). Collection method: clinical testing. Allele origin: germline.

Blueprint Genetics
Classification: Likely benign. Last evaluated: 2024-10-23. Review status: criteria provided, single submitter. Criteria: ACMG Guidelines, 2015. Collection method: clinical testing. Allele origin: germline.

All of Us Research Program, National Institutes of Health
Classification: Likely benign for Loeys-Dietz syndrome. Last evaluated: 2024-02-05. Review status: criteria provided, single submitter. Criteria: ACMG Guidelines, 2015. Collection method: clinical testing. Allele origin: germline. Inheritance: Autosomal dominant inheritance. Observed: 12 variant alleles, 12 heterozygotes.
Comment: This study involves interpretation of variants in research participants for the purpose of population health screening. Participant phenotype was not available at the time of variant classification. Additional details can be found in publication PMID: 35346344, PMCID: PMC8962531

Women's Health and Genetics/Laboratory Corporation of America, LabCorp
Classification: Likely benign. Last evaluated: 2023-02-05. Review status: criteria provided, single submitter. Criteria: LabCorp Variant Classification Summary - May 2015. Collection method: clinical testing. Allele origin: germline.

GeneDx
Classification: Likely benign. Last evaluated: 2020-06-16. Review status: criteria provided, single submitter. Criteria: GeneDx Variant Classification Process June 2021. Collection method: clinical testing. Allele origin: germline. Affected: yes.

Color Diagnostics, LLC DBA Color Health
Classification: Likely benign for Familial thoracic aortic aneurysm and aortic dissection. Last evaluated: 2019-07-02. Review status: criteria provided, single submitter. Criteria: ACMG Guidelines, 2015. Collection method: clinical testing. Allele origin: germline.

Ambry Genetics
Classification: Likely benign for Familial thoracic aortic aneurysm and aortic dissection. Last evaluated: 2016-11-30. Review status: criteria provided, single submitter. Criteria: Ambry Variant Classification Scheme 2023. Collection method: clinical testing. Allele origin: germline.

PreventionGenetics, part of Exact Sciences
Classification: Likely benign. Review status: criteria provided, single submitter. Criteria: ACMG Guidelines, 2015. Collection method: clinical testing. Allele origin: germline.

Clinical Genetics DNA and cytogenetics Diagnostics Lab, Erasmus MC, Erasmus Medical Center
Classification: Likely benign. Review status: no assertion criteria provided. Collection method: clinical testing. Allele origin: germline. Affected: yes. Study: VKGL Data-share Consensus. Not counted in ClinVar's aggregate classification.

Genome Diagnostics Laboratory, Amsterdam University Medical Center
Classification: Likely benign. Review status: no assertion criteria provided. Collection method: clinical testing. Allele origin: germline. Affected: yes. Study: VKGL Data-share Consensus. Not counted in ClinVar's aggregate classification.

NM_004612.4(TGFBR1):c.1497A>G (p.Glu499=)

Gene: TGFBR1 (transforming growth factor beta receptor 1; plus strand). Cytogenetic location: 9q22.33.
Variant type: single nucleotide variant.
Coding change: c.1497A>G on transcript NM_004612.4 (MANE Select); coding-DNA position 1497, A replaced by G.
Protein change: p.Glu499=; no amino-acid change (glutamic acid 499 retained).
Molecular consequence: synonymous variant.
Genome position (GRCh38, 1-based): chr9:99,149,290, A>G. VCF-style: chr9-99149290-A-G. GRCh37 (hg19) VCF-style: chr9-101911572-A-G.
Other names: c.1497A>G (NM_004612.3); c.1266A>G, p.Glu422= (NM_001130916.3); c.1509A>G, p.Glu503= (NM_001306210.2).
Identifiers: ClinVar variation 259452 (VCV000259452.26), dbSNP rs200055681, ClinGen allele CA041072.